The following is an entry in ClinVar:

NM_000130.5(F5):c.2906A>G (p.Asn969Ser)

Gene: F5 (coagulation factor V; minus strand). Cytogenetic location: 1q24.2.
Variant type: single nucleotide variant.
Coding change: c.2906A>G on transcript NM_000130.5 (MANE Select); coding-DNA position 2906, A replaced by G.
Protein change: p.Asn969Ser; replaces asparagine 969 with serine.
Molecular consequence: missense variant.
Genome position (GRCh38, 1-based): chr1:169,542,184, T>C on the plus strand (A>G on the coding strand, the complement: F5 is on the minus strand). VCF-style: chr1-169542184-T-C. GRCh37 (hg19) VCF-style: chr1-169511422-T-C.
Other names: short protein forms N969S.
Identifiers: ClinVar variation 293616 (VCV000293616.13), dbSNP rs9332604, ClinGen allele CA1234009.

ClinVar aggregate classification (germline): Benign/Likely benign. Review status: criteria provided, multiple submitters, no conflicts (2 of 4 stars). 4 submissions from 2 submitters: Benign (1); Likely benign (3). Last evaluated 2025-11-20.

Conditions:
Thrombophilia due to thrombin defect (THPH1). Also called: Thrombosis susceptibility; THROMBOPHILIA DUE TO FACTOR 2 DEFECT; Prothrombin-Related Thrombophilia (Factor II); Prothrombin Thrombophilia. Identifiers: MedGen C3160733, MONDO:0008559, OMIM 188050. Disease mechanism: gain of function, loss of function.
Budd-Chiari syndrome (BDCHS). Also called: Hepatic vein obstruction. Identifiers: Orphanet 131, MedGen C0856761, MONDO:0010947, OMIM 600880, HP:0002639.
Factor V deficiency. Also called: Reduced coagulation factor V activity. Identifiers: Orphanet 326, MedGen C4317320, MONDO:0020586, HP:0003225.
Congenital factor V deficiency. Also called: Hereditary factor V deficiency disease; LABILE FACTOR DEFICIENCY; PARAHEMOPHILIA; OWREN PARAHEMOPHILIA. Identifiers: Orphanet 326, MedGen C0015499, MONDO:0009210, OMIM 227400.

Allele frequency attached by ClinVar (database versions not stated): gnomAD exomes 0.00024 and 0.00065; ExAC 0.00085; gnomAD 0.00274 and 0.00302; ESP Exome Variant Server 0.00292; 1000 Genomes Project 30x 0.00297; 1000 Genomes Project 0.00300; TOPMed 0.00327.
gnomAD v4.1: 791 of 1,614,136 alleles (0.049%); highest among the groups gnomAD compares: African/African-American, 0.95%; 6 homozygotes.

Submissions (4):

Labcorp Genetics (formerly Invitae), Labcorp
Classification: Benign for Congenital factor V deficiency. Last evaluated: 2025-11-20. Review status: criteria provided, single submitter. Criteria: Invitae Variant Classification Sherloc (09022015). Collection method: clinical testing. Allele origin: germline.

Illumina Laboratory Services, Illumina
Classification: Likely benign for Congenital factor V deficiency. Last evaluated: 2018-01-12. Review status: criteria provided, single submitter. Criteria: ICSL Variant Classification Criteria 13 December 2019. Collection method: clinical testing. Allele origin: germline.
Comment: This variant was observed in the ICSL laboratory as part of a predisposition screen in an ostensibly healthy population. It had not been previously curated by ICSL or reported in the Human Gene Mutation Database (HGMD: prior to June 1st, 2018), and was therefore a candidate for classification through an automated scoring system. Utilizing variant allele frequency, disease prevalence and penetrance estimates, and inheritance mode, an automated score was calculated to assess if this variant is too frequent to cause the disease. Based on the score and internal cut-off values, a variant classified as likely benign is not then subjected to further curation. The score for this variant resulted in a classification of likely benign for this disease.

Illumina Laboratory Services, Illumina
Classification: Likely benign for Venous thrombosis. Last evaluated: 2018-01-12. Review status: criteria provided, single submitter. Criteria: ICSL Variant Classification Criteria 13 December 2019. Collection method: clinical testing. Allele origin: germline.
Comment: the same text as in the submission from Illumina Laboratory Services, Illumina above.

Illumina Laboratory Services, Illumina
Classification: Likely benign for Budd-Chiari syndrome. Last evaluated: 2018-01-12. Review status: criteria provided, single submitter. Criteria: ICSL Variant Classification Criteria 13 December 2019. Collection method: clinical testing. Allele origin: germline.
Comment: the same text as in the submission from Illumina Laboratory Services, Illumina above.